The following is an entry in ClinVar:

NM_002474.3(MYH11):c.739C>T (p.Arg247Cys)

Gene: MYH11 (myosin heavy chain 11; minus strand). Cytogenetic location: 16p13.11.
Variant type: single nucleotide variant.
Coding change: c.739C>T on transcript NM_002474.3 (MANE Select); coding-DNA position 739, C replaced by T.
Protein change: p.Arg247Cys; replaces arginine 247 with cysteine.
Molecular consequence: missense variant.
Genome position (GRCh38, 1-based): chr16:15,778,831, G>A on the plus strand (C>T on the coding strand, the complement: MYH11 is on the minus strand). VCF-style: chr16-15778831-G-A. GRCh37 (hg19) VCF-style: chr16-15872688-G-A.
Other names: p.R247C:CGC>TGC; c.760C>T, p.Arg254Cys (NM_001040113.2, NM_001040114.2); c.739C>T, p.Arg247Cys (NM_022844.3); short protein forms R254C, R247C.
Identifiers: ClinVar variation 161317 (VCV000161317.88), dbSNP rs150759461, ClinGen allele CA211693.

ClinVar aggregate classification (germline): Conflicting classifications of pathogenicity. Review status: criteria provided, conflicting classifications (1 of 4 stars). 24 submissions from 23 submitters: Uncertain significance (4); Benign (1); Likely benign (15). 4 of the submissions do not count toward it. Last evaluated 2026-06-01.

Conditions:
Aortic aneurysm, familial thoracic 4 (AAT4). Also called: AORTIC ANEURYSM/AORTIC DISSECTION AND PATENT DUCTUS ARTERIOSUS. Identifiers: MedGen C1851504, MONDO:0007568, OMIM 132900.
Visceral myopathy 2. Identifiers: MedGen C5543466, MONDO:0859157, OMIM 619350.
Megacystis-microcolon-intestinal hypoperistalsis syndrome 2. Identifiers: MedGen C5543476, MONDO:0025708, OMIM 619351.
MYH11-related disorder. Also called: MYH11-related condition.
Congenital aneurysm of ascending aorta (AAT1). Also called: AORTIC ANEURYSM, FAMILIAL THORACIC 1; ANNULOAORTIC ECTASIA; Familial thoracic aortic aneurysm; Aortic aneurysm, thoracic. Identifiers: Orphanet 229, MedGen C0345050, MONDO:0024559, OMIM 607086.
Connective tissue disorder. Also called: Connective tissue disease. Identifiers: MedGen C0009782, MONDO:0003900.
Altered myosin contractile function.
Familial thoracic aortic aneurysm and aortic dissection (TAAD). Also called: Thoracic aortic aneurysms and dissections. Identifiers: Orphanet 91387, MedGen C4707243, MONDO:0019625.
Joint hypermobility. Also called: Joint hyperflexibility. Identifiers: MedGen C1862377, HP:0001382.

Allele frequency attached by ClinVar (database versions not stated): 1000 Genomes Project 0.00060; 1000 Genomes Project 30x 0.00078; TOPMed 0.00144; gnomAD 0.00168 and 0.00174; gnomAD exomes 0.00174 and 0.00266; ExAC 0.00194; ESP Exome Variant Server 0.00246.

Submissions 1 to 14 of 24:

CeGaT Center for Human Genetics Tuebingen
Classification: Likely benign. Last evaluated: 2026-06-01. Review status: criteria provided, single submitter. Criteria: CeGaT Center For Human Genetics Tuebingen Variant Classification Criteria Version 2. Collection method: clinical testing. Allele origin: germline. Affected: yes. Observed: 8 variant alleles.
Comment: MYH11: PP3, BS2

Labcorp Genetics (formerly Invitae), Labcorp
Classification: Likely benign for Aortic aneurysm, familial thoracic 4. Last evaluated: 2026-02-03. Review status: criteria provided, single submitter. Criteria: Invitae Variant Classification Sherloc (09022015). Collection method: clinical testing. Allele origin: germline.

ARUP Laboratories, Molecular Genetics and Genomics, ARUP Laboratories
Classification: Likely benign. Last evaluated: 2025-06-30. Review status: criteria provided, single submitter. Criteria: ARUP Molecular Germline Variant Investigation Process 2024. Collection method: clinical testing. Allele origin: germline.

Mayo Clinic Laboratories, Mayo Clinic
Classification: Likely benign. Last evaluated: 2025-06-25. Review status: criteria provided, single submitter. Criteria: ACMG Guidelines, 2015. Collection method: clinical testing. Allele origin: germline. Observed: 8 variant alleles.
Comment: BS1, BS2, PP3_moderate

Clinical Genetics Laboratory, Skane University Hospital Lund
Classification: Uncertain significance for Joint hypermobility. Last evaluated: 2025-05-09. Review status: criteria provided, single submitter. Criteria: ACMG Guidelines, 2015. Collection method: clinical testing. Allele origin: germline. Affected: yes.
Comment: ACMG-criteria applied: PP3, BS2.

Blueprint Genetics
Classification: Likely benign. Last evaluated: 2024-11-19. Review status: criteria provided, single submitter. Criteria: ACMG Guidelines, 2015. Collection method: clinical testing. Allele origin: germline.

All of Us Research Program, National Institutes of Health
Classification: Likely benign for Familial thoracic aortic aneurysm and aortic dissection. Last evaluated: 2024-09-23. Review status: criteria provided, single submitter. Criteria: ACMG Guidelines, 2015. Collection method: clinical testing. Allele origin: germline. Inheritance: Autosomal dominant inheritance. Observed: 574 variant alleles, 573 heterozygotes, 1 homozygote.
Comment: This study involves interpretation of variants in research participants for the purpose of population health screening. Participant phenotype was not available at the time of variant classification. Additional details can be found in publication PMID: 35346344, PMCID: PMC8962531

CHEO Genetics Diagnostic Laboratory, Children's Hospital of Eastern Ontario
Classification: Likely benign for Familial thoracic aortic aneurysm and aortic dissection. Last evaluated: 2023-01-25. Review status: criteria provided, single submitter. Criteria: ACMG Guidelines, 2015. Collection method: clinical testing. Allele origin: germline.

GeneDx
Classification: Likely benign. Last evaluated: 2021-06-02. Review status: criteria provided, single submitter. Criteria: GeneDx Variant Classification Process June 2021. Collection method: clinical testing. Allele origin: germline. Affected: yes.
Comment: This variant is associated with the following publications: (PMID: 22968129, 16444274, 25407000, 24337657, 10854329, 22511748, 25433566, 26893369, 27879251, 27153395, 29494672, 17956658, 17666408, 14722581, 10199307, 7923625, 26792327, 25424711, 24676022, 27418595, 26017485, 25637381, 26332594, 27535533, 29961567, 32220188, 32068640)

Ambry Genetics
Classification: Likely benign for Familial thoracic aortic aneurysm and aortic dissection. Last evaluated: 2020-03-19. Review status: criteria provided, single submitter. Criteria: Ambry Variant Classification Scheme 2023. Collection method: clinical testing. Allele origin: germline.

Women's Health and Genetics/Laboratory Corporation of America, LabCorp
Classification: Likely benign. Last evaluated: 2019-10-22. Review status: criteria provided, single submitter. Criteria: LabCorp Variant Classification Summary - May 2015. Collection method: clinical testing. Allele origin: germline.
Comment: Variant summary: MYH11 c.760C>T (p.Arg254Cys, also known as c.739C>T/p.Arg247Cys) results in a non-conservative amino acid change located in the Myosin head, motor domain (IPR001609) of the encoded protein sequence. Five of five in-silico tools predict a damaging effect of the variant on protein function. The variant allele was found at a frequency of 0.0017 in 282840 control chromosomes, predominantly at a frequency of 0.003 within the Non-Finnish European subpopulation in the gnomAD database, including 2 homozygotes. The observed variant frequency within Non-Finnish European control individuals in the gnomAD database is approximately 2400 fold of the estimated maximal expected allele frequency for a pathogenic variant in MYH11 causing Aortopathy phenotype (1.3e-06), strongly suggesting that the variant is a benign polymorphism found primarily in populations of Non-Finnish European origin. The variant, c.760C>T, has been reported in the literature in at least one family with 2 affected individuals (Van de Luijtgaarden_2015), and in patients with aortic disease and no family history (Kuang_2012). These reports however do not provide unequivocal conclusions about association of the variant with Aortopathy. Publications reported experimental evidence evaluating an impact on protein function, and demonstrated that the p.Arg247Cys substitution decreases the ATPase activity (actin-activated), and the rate of actin filament sliding, and in a knock-in mouse model the mutant aorta displayed a decreased contractile response, but there was no overall vascular phenotype under normal conditions in either homozygous or heterozygous mice (Kuang_2012, Huang_2018). However, the homozygous mutant knock-in mice were more vulnerable to alterations in hemodynamic loading (Bellini_2015), or developed aortic dilation when crossed with the ACTA2 +/- mice, indicating that two variants not known to cause disease may lead to aortic enlargement in combination (Kwartler_2018). Nine clinical diagnostic laboratories have submitted clinical-significance assessments for this variant to ClinVar after 2014 without evidence for independent evaluation. Multiple laboratories reported the variant with conflicting assessments (likely benign 7x, VUS 2x). Based on the evidence outlined above, the variant is unlikely to cause familial thoracic aortic disease, but more evidence is required to determine if it might represent a low penetrance risk variant, therefore it was classified as likely benign.

Mendelics
Classification: Benign for Aortic aneurysm, familial thoracic 4. Last evaluated: 2019-05-28. Review status: criteria provided, single submitter. Criteria: Mendelics Assertion Criteria 2017. Collection method: clinical testing. Allele origin: unknown.

Center for Genomics, Ann and Robert H. Lurie Children's Hospital of Chicago
Classification: Uncertain significance for Aortic aneurysm, familial thoracic 4. Last evaluated: 2018-11-30. Review status: criteria provided, single submitter. Criteria: ACMG Guidelines, 2015. Collection method: clinical testing. Allele origin: germline.
Comment: MYH11 NM_002474.2 exon 7 p.Arg247Cys (c.739C>T): This variant has been reported in the literature (also referred to as p.Arg254Cys) in at least one individual with abdominal aortic aneurysm, segregating with disease in one affected family member (Van de Luijtgaarden 2015 PMID:26017485). This variant is present in 0.3% (393/129162) of European alleles in the Genome Aggregation Database, including 2 homozygotes. This variant is also present in ClinVar, with several labs classifying this variant as likely benign (Variation ID:161317). Evolutionary conservation and computational predictive tools suggest that this variant may impact the protein. In addition, functional studies have shown a deleterious effect of this variant (Kuang 2012 PMID: 22511748; Bellini 2015 PMID: 25433566). However, these studies may not accurately represent in vivo biological function. In summary, data on this variant is insufficient for disease classification. Therefore, the clinical significance of this variant is uncertain.

Color Diagnostics, LLC DBA Color Health
Classification: Likely benign for Familial thoracic aortic aneurysm and aortic dissection. Last evaluated: 2018-04-16. Review status: criteria provided, single submitter. Criteria: ACMG Guidelines, 2015. Collection method: clinical testing. Allele origin: germline.